The following is an entry in ClinVar:

NM_001278298.2(COL6A5):c.3031G>A (p.Asp1011Asn)

Gene: COL6A5 (collagen type VI alpha 5 chain; plus strand). Cytogenetic location: 3q22.1.
Variant type: single nucleotide variant.
Coding change: c.3031G>A on transcript NM_001278298.2 (MANE Select); coding-DNA position 3031, G replaced by A.
Protein change: p.Asp1011Asn; replaces aspartic acid 1011 with asparagine.
Molecular consequence: missense variant. On other transcripts: non-coding transcript variant (1).
Genome position (GRCh38, 1-based): chr3:130,394,928, G>A. VCF-style: chr3-130394928-G-A. GRCh37 (hg19) VCF-style: chr3-130113771-G-A.
Other names: c.3031G>A (NM_001278298.1); c.3031G>A, p.Asp1011Asn (NM_001412157.1, NM_153264.7); short protein forms D1011N.
Identifiers: ClinVar variation 2227696 (VCV002227696.28), dbSNP rs190666668, ClinGen allele CA2610961.

ClinVar aggregate classification (germline): Conflicting classifications of pathogenicity. Review status: criteria provided, conflicting classifications (1 of 4 stars). 3 submissions from 3 submitters: Uncertain significance (1); Benign (1). 1 of the submissions does not count toward it. Last evaluated 2025-06-01.

Conditions:
COL6A5-related disorder. Also called: COL6A5-related condition.

Allele frequency attached by ClinVar (database versions not stated): 1000 Genomes Project 30x 0.00047; 1000 Genomes Project 0.00060; ESP Exome Variant Server 0.00066; ExAC 0.00071; gnomAD 0.00126; TOPMed 0.00186.
gnomAD v4.1: 1,995 of 1,551,210 alleles (0.13%); highest among the groups gnomAD compares: Admixed American, 0.21%; 3 homozygotes.

Submissions (3):

CeGaT Center for Human Genetics Tuebingen
Classification: Benign. Last evaluated: 2025-06-01. Review status: criteria provided, single submitter. Criteria: CeGaT Center For Human Genetics Tuebingen Variant Classification Criteria Version 2. Collection method: clinical testing. Allele origin: germline. Affected: yes. Observed: 2 variant alleles.
Comment: COL6A5: BS1, BS2

Ambry Genetics
Classification: Uncertain significance. Last evaluated: 2024-07-02. Review status: criteria provided, single submitter. Criteria: Ambry Variant Classification Scheme 2023. Collection method: clinical testing. Allele origin: germline.

PreventionGenetics, part of Exact Sciences
Classification: Likely benign for COL6A5-related condition. Last evaluated: 2023-08-16. Review status: no assertion criteria provided. Collection method: clinical testing. Allele origin: germline. Not counted in ClinVar's aggregate classification.
Comment: This variant is classified as likely benign based on ACMG/AMP sequence variant interpretation guidelines (Richards et al. 2015 PMID: 25741868, with internal and published modifications).